The following is an entry in ClinVar:

ClinVar aggregate classification (germline): Uncertain significance (1 of 4 stars; one submission).

Conditions:
Glycogen storage disease type III (GSD3). Also called: FORBES DISEASE; Cori disease. Identifiers: Orphanet 366, MedGen C0017922, MONDO:0009291, OMIM 232400.

gnomAD v4.1: 3 of 1,611,580 alleles (0.00019%); highest among the groups gnomAD compares: Non-Finnish European, 0.00025%; no homozygotes.

Submission:

Labcorp Genetics (formerly Invitae), Labcorp
Classification: Uncertain significance for Glycogen storage disease type III. Last evaluated: 2021-09-01. Review status: criteria provided, single submitter. Criteria: Invitae Variant Classification Sherloc (09022015). Collection method: clinical testing. Allele origin: germline.
Comment: This sequence change replaces methionine with leucine at codon 539 of the AGL protein (p.Met539Leu). The methionine residue is moderately conserved and there is a small physicochemical difference between methionine and leucine. This variant is not present in population databases (ExAC no frequency). This variant has not been reported in the literature in individuals affected with AGL-related conditions. Algorithms developed to predict the effect of missense changes on protein structure and function (SIFT, PolyPhen-2, Align-GVGD) all suggest that this variant is likely to be tolerated. In summary, the available evidence is currently insufficient to determine the role of this variant in disease. Therefore, it has been classified as a Variant of Uncertain Significance.

NM_000642.3(AGL):c.1615A>T (p.Met539Leu)

Gene: AGL (amylo-alpha-1,6-glucosidase and 4-alpha-glucanotransferase; plus strand). Cytogenetic location: 1p21.2.
Variant type: single nucleotide variant.
Coding change: c.1615A>T on transcript NM_000642.3 (MANE Select); coding-DNA position 1615, A replaced by T.
Protein change: p.Met539Leu; replaces methionine 539 with leucine.
Molecular consequence: missense variant.
Genome position (GRCh38, 1-based): chr1:99,879,926, A>T. VCF-style: chr1-99879926-A-T. GRCh37 (hg19) VCF-style: chr1-100345482-A-T.
Other names: c.1615A>T, p.Met539Leu (NM_000028.3, NM_000643.3, NM_000644.3 and 2 more transcripts); c.1567A>T, p.Met523Leu (NM_000646.3); c.1414A>T, p.Met472Leu (NM_001425327.1); c.1411A>T, p.Met471Leu (NM_001425328.1, NM_001425329.1); c.1237A>T, p.Met413Leu (NM_001425332.1); short protein forms M539L, M523L, M413L, M471L, M472L.
Identifiers: ClinVar variation 1514855 (VCV001514855.5), dbSNP rs764106633, ClinGen allele CA341315364.
Genomic context (GRCh38, chr1:99,879,926, plus strand): 5'-TTGCTTTTCTCTTTCTGTTACATTTATTTGTTACATTTGTCACTGTGCTTTTTACAGTAC[A>T]TGTTGGATGCTGCTAGGAATTTGCAACCCAATTTATATGTAGTAGCTGAACTGTTCACAG-3'
Protein context (NP_000633.2, residues 529-549): HSTPLHVAEY[Met539Leu]LDAARNLQPN